The following is an entry in ClinVar:

NM_000443.4(ABCB4):c.2186C>T (p.Ser729Leu)

Gene: ABCB4 (ATP binding cassette subfamily B member 4; minus strand). Cytogenetic location: 7q21.12.
Variant type: single nucleotide variant.
Coding change: c.2186C>T on transcript NM_000443.4 (MANE Select); coding-DNA position 2186, C replaced by T.
Protein change: p.Ser729Leu; replaces serine 729 with leucine.
Molecular consequence: missense variant.
Genome position (GRCh38, 1-based): chr7:87,423,931, G>A on the plus strand (C>T on the coding strand, the complement: ABCB4 is on the minus strand). VCF-style: chr7-87423931-G-A. GRCh37 (hg19) VCF-style: chr7-87053247-G-A.
Other names: c.2186C>T, p.Ser729Leu (NM_018849.3, NM_018850.3); short protein forms S729L.
Identifiers: ClinVar variation 3777256 (VCV003777256.2).
Genomic context (GRCh38, chr7:87,423,931, plus strand): 5'-TAATTCAGGCTGTTATGTGGTGTTTGCAAACTTACCGCTATGATCTCTGAGAATATGACT[G>A]AAAATGCCGGCTGAAGCCCCCCATTGGCAATGGCACATACTGTTCCCACGACAAAGTAGG-3'
Protein context (NP_000434.1, residues 719-739): IANGGLQPAF[Ser729Leu]VIFSEIIAIF

ClinVar aggregate classification (germline): Uncertain significance. Review status: criteria provided, multiple submitters, no conflicts (2 of 4 stars). 2 submissions from 2 submitters: Uncertain significance (2). Last evaluated 2026-04-14.

Conditions:
Low phospholipid associated cholelithiasis (GBD1). Also called: Gallstone cholecystitis; Gallbladder disease 1. Identifiers: Orphanet 69663, MedGen C2609268, MONDO:0010939, OMIM 600803.
Cholestasis, intrahepatic, of pregnancy, 3. Identifiers: Orphanet 69665, MedGen C3554241, MONDO:0013995, OMIM 614972.

gnomAD v4.1: 10 of 1,613,968 alleles (0.00062%); highest among the groups gnomAD compares: Non-Finnish European, 0.00076%; no homozygotes.

Submissions (2):

Genomenon, Inc
Classification: Uncertain significance for Low phospholipid associated cholelithiasis. Last evaluated: 2026-04-14. Review status: criteria provided, single submitter. Criteria: Genomenon Sequence Variant Interpretation Standards - Updated. Collection method: curation. Allele origin: germline. Affected: yes.
Comment: ABCB4 p.Ser729Leu (c.2186C>T) is a missense variant that changes the amino acid at residue 729 from Serine to Leucine. This variant has been observed in at least one proband with an ABCB4-related disorder (PMID:23533021). It is absent or not present at a significant frequency in gnomAD. In silico models predict that this variant is possibly or probably damaging. In conclusion, we classify ABCB4 p.Ser729Leu (c.2186C>T) as a variant of uncertain significance.

Clinical Genetics Laboratory, Skane University Hospital Lund
Classification: Uncertain significance for Low phospholipid associated cholelithiasis; Cholestasis, intrahepatic, of pregnancy, 3. Last evaluated: 2025-04-16. Review status: criteria provided, single submitter. Criteria: ACMG Guidelines, 2015. Collection method: clinical testing. Allele origin: germline. Affected: yes.
Comment: ACMG criteria used: PS4, PP3

Literature cited by the submitters: PubMed 23533021 (cited by Genomenon, Inc).